The following is an entry in ClinVar:

ClinVar aggregate classification (germline): Uncertain significance (1 of 4 stars; one submission).

Conditions:
Bethlem myopathy 1A. Also called: Bethlem myopathy 1; Bethlem Muscular Dystrophy; MYOPATHY, BENIGN CONGENITAL, WITH CONTRACTURES. Identifiers: Orphanet 610, MedGen CN029274, MONDO:0024530, OMIM 158810.

Submission:

Labcorp Genetics (formerly Invitae), Labcorp
Classification: Uncertain significance for Bethlem myopathy 1A. Last evaluated: 2021-09-10. Review status: criteria provided, single submitter. Criteria: Invitae Variant Classification Sherloc (09022015). Collection method: clinical testing. Allele origin: germline.
Comment: This sequence change replaces serine with proline at codon 3026 of the COL6A3 protein (p.Ser3026Pro). The serine residue is moderately conserved and there is a moderate physicochemical difference between serine and proline. This variant is not present in population databases (ExAC no frequency). This variant has not been reported in the literature in individuals affected with COL6A3-related conditions. Advanced modeling of protein sequence and biophysical properties (such as structural, functional, and spatial information, amino acid conservation, physicochemical variation, residue mobility, and thermodynamic stability) performed at Invitae indicates that this missense variant is not expected to disrupt COL6A3 protein function. In summary, the available evidence is currently insufficient to determine the role of this variant in disease. Therefore, it has been classified as a Variant of Uncertain Significance.

NM_004369.4(COL6A3):c.9076T>C (p.Ser3026Pro)

Gene: COL6A3 (collagen type VI alpha 3 chain; minus strand). Cytogenetic location: 2q37.3.
Variant type: single nucleotide variant.
Coding change: c.9076T>C on transcript NM_004369.4 (MANE Select); coding-DNA position 9076, T replaced by C.
Protein change: p.Ser3026Pro; replaces serine 3026 with proline.
Molecular consequence: missense variant.
Genome position (GRCh38, 1-based): chr2:237,334,779, A>G on the plus strand (T>C on the coding strand, the complement: COL6A3 is on the minus strand). VCF-style: chr2-237334779-A-G. GRCh37 (hg19) VCF-style: chr2-238243422-A-G.
Other names: c.7255T>C, p.Ser2419Pro (NM_057166.5); c.8458T>C, p.Ser2820Pro (NM_057167.4); short protein forms S2820P, S2419P, S3026P.
Identifiers: ClinVar variation 1479435 (VCV001479435.6), dbSNP rs1700446197, ClinGen allele CA351188712.